The following is an entry in ClinVar:

ClinVar aggregate classification (germline): Uncertain significance (1 of 4 stars; one submission).

Conditions:
Hereditary spastic paraplegia 11. Also called: Nakamura Osame syndrome; Autosomal recessive hereditary spastic paraplegia, mental impairment, and thin corpus callosum; Spastic Paraplegia 11; Spastic paraplegia, mental retardation and thin corpus callosum; SPASTIC PARAPLEGIA, AUTOSOMAL RECESSIVE, COMPLICATED, WITH THIN CORPUS CALLOSUM; SPASTIC PARAPLEGIA, AUTOSOMAL RECESSIVE, WITH MENTAL IMPAIRMENT AND THIN CORPUS CALLOSUM. Identifiers: Orphanet 2822, MedGen C1858479, MONDO:0011445, OMIM 604360.

Submission:

Labcorp Genetics (formerly Invitae), Labcorp
Classification: Uncertain significance for Hereditary spastic paraplegia 11. Last evaluated: 2020-08-24. Review status: criteria provided, single submitter. Criteria: Invitae Variant Classification Sherloc (09022015). Collection method: clinical testing. Allele origin: germline.
Comment: Experimental studies and prediction algorithms are not available or were not evaluated, and the functional significance of this variant is currently unknown. In summary, the available evidence is currently insufficient to determine the role of this variant in disease. Therefore, it has been classified as a Variant of Uncertain Significance. This variant has been observed in individual(s) with clinical features of SPG11-related conditions (Invitae). In at least one individual the data is consistent with the variant being in trans (on the opposite chromosome) from a pathogenic variant. This variant, c.5386_5394del, results in the deletion of 3 amino acid(s) of the SPG11 protein (p.Glu1796_Glu1798del), but otherwise preserves the integrity of the reading frame.

NM_025137.4(SPG11):c.5386_5394del (p.Glu1796_Glu1798del)

Gene: SPG11 (SPG11 vesicle trafficking associated, spatacsin; minus strand). Cytogenetic location: 15q21.1.
Variant type: Deletion.
Coding change: c.5386_5394del on transcript NM_025137.4 (MANE Select); coding-DNA positions 5386 to 5394, 9 bases deleted (GAGCTGGAG; older notation c.5386_5394delGAGCTGGAG).
Protein change: p.Glu1796_Glu1798del.
Molecular consequence: inframe deletion.
Genome position (GRCh38, 1-based): chr15:44,584,286-44,584,294, CTCCAGCTC deleted on the plus strand (GAGCTGGAG on the coding strand, the reverse complement: SPG11 is on the minus strand); deleting any 9 consecutive bases within chr15:44,584,286-44,584,302 gives the same sequence; the c. name uses the placement nearest the transcript's 3' end. VCF-style (leftmost placement, unchanged base first): chr15-44584285-TCTCCAGCTC-T. GRCh37 (hg19) VCF-style: chr15-44876483-TCTCCAGCTC-T.
Other names: c.5386_5394del, p.Glu1796_Glu1798del (NM_001160227.2).
Identifiers: ClinVar variation 1025384 (VCV001025384.6), dbSNP rs765129142, ClinGen allele CA7534418.